The following is an entry in ClinVar:

NM_000186.4(CFH):c.3562A>C (p.Lys1188Gln)

Gene: CFH (complement factor H; plus strand). Cytogenetic location: 1q31.3.
Variant type: single nucleotide variant.
Coding change: c.3562A>C on transcript NM_000186.4 (MANE Select); coding-DNA position 3562, A replaced by C.
Protein change: p.Lys1188Gln; replaces lysine 1188 with glutamine.
Molecular consequence: missense variant.
Genome position (GRCh38, 1-based): chr1:196,747,179, A>C. VCF-style: chr1-196747179-A-C. GRCh37 (hg19) VCF-style: chr1-196716309-A-C.
Other names: short protein forms K1188Q.
Identifiers: ClinVar variation 4291610 (VCV004291610.1).
Genomic context (GRCh38, chr1:196,747,179, plus strand): 5'-GTAATATCCCGAGAAATTATGGAAAATTATAACATAGCATTAAGGTGGACAGCCAAACAG[A>C]AGCTTTATTCGAGAACAGGTGAATCAGTTGAATTTGTGTGTAAACGGGGATATCGTCTTT-3'
Protein context (NP_000177.2, residues 1178-1198): NIALRWTAKQ[Lys1188Gln]LYSRTGESVE

ClinVar aggregate classification (germline): Likely pathogenic, low penetrance (1 of 4 stars; one submission).

Conditions:
Atypical hemolytic-uremic syndrome. Identifiers: Orphanet 2134, MedGen C2931788, MONDO:0016244.
Basal laminar drusen. Also called: DRUSEN OF BRUCH MEMBRANE; DRUSEN, CUTICULAR; DRUSEN, EARLY ADULT-ONSET, GROUPED. Identifiers: Orphanet 75376, MedGen C0730295, MONDO:0007472, OMIM 126700.
Factor H deficiency (CFHD). Also called: COMPLEMENT FACTOR H DEFICIENCY; CFH DEFICIENCY. Identifiers: Orphanet 200421, MedGen C0398777, MONDO:0012350, OMIM 609814.
Age related macular degeneration 4. Identifiers: MedGen C1853147, MONDO:0012540, OMIM 610698.

Submission:

Genomenon, Inc
Classification: Likely pathogenic, low penetrance for Basal laminar drusen; Age related macular degeneration 4; Atypical hemolytic-uremic syndrome; Factor H deficiency. Last evaluated: 2025-10-02. Review status: criteria provided, single submitter. Criteria: Genomenon Sequence Variant Interpretation Standards - Updated. Collection method: curation. Allele origin: germline. Affected: no.
Comment: CFH p.Lys1188Gln (c.3562A>C) is a missense variant that changes the amino acid at residue 1188 from Lysine to Glutamine. To our knowledge, this variant has not been reported in patients affected with a CFH-related disorder in the published literature. At least one functional study has demonstrated a substantial alteration in protein function relative to the wild-type (PMID:19454698;29218045). It is absent or not present at a significant frequency in gnomAD. In conclusion, we classify CFH p.Lys1188Gln (c.3562A>C) as a likely pathogenic, low penetrance variant.

Literature cited by the submitters: PubMed 19454698; PubMed 29218045.